The following is an entry in ClinVar:

ClinVar aggregate classification (germline): Uncertain significance. Review status: criteria provided, multiple submitters, no conflicts (2 of 4 stars). 2 submissions from 2 submitters: Uncertain significance (2). Last evaluated 2025-12-15.

Conditions:
Rubinstein-Taybi syndrome due to EP300 haploinsufficiency. Also called: EP300-Related Rubinstein-Taybi Syndrome; RUBINSTEIN-TAYBI SYNDROME 2. Identifiers: Orphanet 353284, Orphanet 783, MedGen C3150941, MONDO:0013364, OMIM 613684.
EP300-related disorder. Also called: EP300-related condition; EP300-related disorders.

Allele frequency attached by ClinVar (database versions not stated): TOPMed 0.00001.

Submissions (2):

Labcorp Genetics (formerly Invitae), Labcorp
Classification: Uncertain significance for Rubinstein-Taybi syndrome due to EP300 haploinsufficiency. Last evaluated: 2025-12-15. Review status: criteria provided, single submitter. Criteria: Invitae Variant Classification Sherloc (09022015). Collection method: clinical testing. Allele origin: germline.
Comment: This sequence change replaces threonine, which is neutral and polar, with alanine, which is neutral and non-polar, at codon 1190 of the EP300 protein (p.Thr1190Ala). This variant is not present in population databases (gnomAD no frequency). This variant has not been reported in the literature in individuals affected with EP300-related conditions. ClinVar contains an entry for this variant (Variation ID: 1918130). Invitae Evidence Modeling of protein sequence and biophysical properties (such as structural, functional, and spatial information, amino acid conservation, physicochemical variation, residue mobility, and thermodynamic stability) indicates that this missense variant is not expected to disrupt EP300 protein function with a negative predictive value of 95%. In summary, the available evidence is currently insufficient to determine the role of this variant in disease. Therefore, it has been classified as a Variant of Uncertain Significance.

PreventionGenetics, part of Exact Sciences
Classification: Uncertain significance for EP300-related condition. Last evaluated: 2024-11-23. Review status: criteria provided, single submitter. Criteria: ACMG Guidelines, 2015. Collection method: clinical testing. Allele origin: germline.
Comment: The EP300 c.3568A>G variant is predicted to result in the amino acid substitution p.Thr1190Ala. To our knowledge, this variant has not been reported in the literature or in a large population database (gnomAD), indicating this variant is rare. At this time, the clinical significance of this variant is uncertain due to the absence of conclusive functional and genetic evidence.

NM_001429.4(EP300):c.3568A>G (p.Thr1190Ala)

Gene: EP300 (EP300 lysine acetyltransferase; plus strand). Cytogenetic location: 22q13.2.
Variant type: single nucleotide variant.
Coding change: c.3568A>G on transcript NM_001429.4 (MANE Select); coding-DNA position 3568, A replaced by G.
Protein change: p.Thr1190Ala; replaces threonine 1190 with alanine.
Molecular consequence: missense variant.
Genome position (GRCh38, 1-based): chr22:41,158,478, A>G. VCF-style: chr22-41158478-A-G. GRCh37 (hg19) VCF-style: chr22-41554482-A-G.
Other names: c.3568A>G (NM_001429.3); c.3490A>G, p.Thr1164Ala (NM_001362843.2); short protein forms T1190A, T1164A.
Identifiers: ClinVar variation 1918130 (VCV001918130.6), dbSNP rs975609094, ClinGen allele CA324544369.